The following is an entry in ClinVar:

ClinVar aggregate classification (germline): Benign/Likely benign. Review status: criteria provided, multiple submitters, no conflicts (2 of 4 stars). 5 submissions from 5 submitters: Benign (2); Likely benign (1). 2 of the submissions do not count toward it. Last evaluated 2026-01-18.

Conditions:
PCK2-related disorder. Also called: PCK2-related condition.

Allele frequency attached by ClinVar (database versions not stated): gnomAD exomes 0.00060 and 0.00146; ExAC 0.00175; gnomAD 0.00508 and 0.00541; ESP Exome Variant Server 0.00577; TOPMed 0.00594; 1000 Genomes Project 0.00659; 1000 Genomes Project 30x 0.00687.
gnomAD v4.1: 1,714 of 1,613,702 alleles (0.11%); highest among the groups gnomAD compares: African/African-American, 1.8%; 19 homozygotes.

Submissions (5):

Labcorp Genetics (formerly Invitae), Labcorp
Classification: Benign. Last evaluated: 2026-01-18. Review status: criteria provided, single submitter. Criteria: Invitae Variant Classification Sherloc (09022015). Collection method: clinical testing. Allele origin: germline.

Genomic Medicine Center of Excellence, King Faisal Specialist Hospital and Research Centre
Classification: Likely benign. Last evaluated: 2025-08-18. Review status: criteria provided, single submitter. Criteria: ACMG Guidelines, 2015. Collection method: clinical testing. Allele origin: germline.

Breakthrough Genomics
Classification: Benign. Review status: criteria provided, single submitter. Criteria: ACMG Guidelines, 2015. Collection method: not provided. Allele origin: germline. Inheritance: Autosomal recessive inheritance. Affected: yes.

PreventionGenetics, part of Exact Sciences
Classification: Benign for PCK2-related condition. Last evaluated: 2019-11-26. Review status: no assertion criteria provided. Collection method: clinical testing. Allele origin: germline. Not counted in ClinVar's aggregate classification.
Comment: This variant is classified as benign based on ACMG/AMP sequence variant interpretation guidelines (Richards et al. 2015 PMID: 25741868, with internal and published modifications).

Mayo Clinic Laboratories, Mayo Clinic
Classification: Likely benign. Last evaluated: 2017-09-18. Review status: no assertion criteria provided. Collection method: clinical testing. Allele origin: unknown. Not counted in ClinVar's aggregate classification.

NM_004563.4(PCK2):c.190G>A (p.Asp64Asn)

Genes: NRL (neural retina leucine zipper; minus strand), PCK2 (phosphoenolpyruvate carboxykinase 2, mitochondrial; plus strand). Cytogenetic location: 14q11.2.
Variant type: single nucleotide variant.
Coding change: c.190G>A on transcript NM_004563.4 (MANE Select); coding-DNA position 190, G replaced by A.
Protein change: p.Asp64Asn; replaces aspartic acid 64 with asparagine.
Molecular consequence: missense variant. On other transcripts: 5 prime UTR variant (1), intron variant (4).
Genome position (GRCh38, 1-based): chr14:24,097,052, G>A. VCF-style: chr14-24097052-G-A. GRCh37 (hg19) VCF-style: chr14-24566261-G-A.
Other names: c.190G>A, p.Asp64Asn (NM_001018073.3); c.-213G>A (NM_001308054.2); c.-27-14177C>T (NM_001354768.3, NM_001354770.2); c.-253-12307C>T (NM_006177.5); c.-127-1151G>A (NM_001291556.2); short protein forms D64N.
Identifiers: ClinVar variation 559130 (VCV000559130.16), dbSNP rs10132601, ClinGen allele CA7123033.